The following is an entry in ClinVar:

ClinVar aggregate classification (germline): Uncertain significance (1 of 4 stars; one submission).

Conditions:
Primary dilated cardiomyopathy (DCM). Also called: Dilated Cardiomyopathy. Identifiers: Orphanet 217604, MedGen C0007193, MeSH D002311, MONDO:0005021, HP:0001644. Inheritance: Various modes of inheritance.

gnomAD v4.1: 3 of 1,613,786 alleles (0.00019%); highest among the groups gnomAD compares: African/African-American, 0.004%; no homozygotes.

Submission:

Labcorp Genetics (formerly Invitae), Labcorp
Classification: Uncertain significance for Primary dilated cardiomyopathy. Last evaluated: 2025-12-17. Review status: criteria provided, single submitter. Criteria: Invitae Variant Classification Sherloc (09022015). Collection method: clinical testing. Allele origin: germline.
Comment: This sequence change replaces glutamine, which is neutral and polar, with lysine, which is basic and polar, at codon 128 of the NEBL protein (p.Gln128Lys). This variant is present in population databases (no rsID available, gnomAD 0.02%). This variant has not been reported in the literature in individuals affected with NEBL-related conditions. An algorithm developed to predict the effect of missense changes on protein structure and function (PolyPhen-2) suggests that this variant is likely to be tolerated. In summary, the available evidence is currently insufficient to determine the role of this variant in disease. Therefore, it has been classified as a Variant of Uncertain Significance.

NM_006393.3(NEBL):c.382C>A (p.Gln128Lys)

Gene: NEBL (nebulette; minus strand). Cytogenetic location: 10p12.31.
Variant type: single nucleotide variant.
Coding change: c.382C>A on transcript NM_006393.3 (MANE Select); coding-DNA position 382, C replaced by A.
Protein change: p.Gln128Lys; replaces glutamine 128 with lysine.
Molecular consequence: missense variant. On other transcripts: intron variant (9).
Genome position (GRCh38, 1-based): chr10:20,880,892, G>T on the plus strand (C>A on the coding strand, the complement: NEBL is on the minus strand). VCF-style: chr10-20880892-G-T. GRCh37 (hg19) VCF-style: chr10-21169821-G-T.
Other names: c.250-67952C>A (NM_001377326.1, NM_001377327.1, NM_001377328.1); c.358-67952C>A (NM_213569.2, NM_001173484.2, NM_001377322.1); c.301-67952C>A (NM_001377324.1); c.292-67952C>A (NM_001377325.1); c.310-67952C>A (NM_001377323.1); short protein forms Q128K.
Identifiers: ClinVar variation 4809654 (VCV004809654.1).